The following is an entry in ClinVar:

ClinVar aggregate classification (germline): Uncertain significance. Review status: criteria provided, multiple submitters, no conflicts (2 of 4 stars). 2 submissions from 2 submitters: Uncertain significance (2). Last evaluated 2025-11-04.

gnomAD v4.1: 6 of 1,596,800 alleles (0.00038%); highest among the groups gnomAD compares: East Asian, 0.0023%; no homozygotes.

Submissions (2):

Labcorp Genetics (formerly Invitae), Labcorp
Classification: Uncertain significance. Last evaluated: 2025-11-04. Review status: criteria provided, single submitter. Criteria: Invitae Variant Classification Sherloc (09022015). Collection method: clinical testing. Allele origin: germline.
Comment: This sequence change replaces arginine, which is basic and polar, with tryptophan, which is neutral and slightly polar, at codon 1641 of the COL11A2 protein (p.Arg1641Trp). This variant is not present in population databases (gnomAD no frequency). This variant has not been reported in the literature in individuals affected with COL11A2-related conditions. ClinVar contains an entry for this variant (Variation ID: 1386535). Invitae Evidence Modeling of protein sequence and biophysical properties (such as structural, functional, and spatial information, amino acid conservation, physicochemical variation, residue mobility, and thermodynamic stability) indicates that this missense variant is not expected to disrupt COL11A2 protein function with a negative predictive value of 95%. In summary, the available evidence is currently insufficient to determine the role of this variant in disease. Therefore, it has been classified as a Variant of Uncertain Significance.

GeneDx
Classification: Uncertain significance. Last evaluated: 2024-01-19. Review status: criteria provided, single submitter. Criteria: GeneDx Variant Classification Process June 2021. Collection method: clinical testing. Allele origin: germline. Affected: yes.
Comment: Not observed at significant frequency in large population cohorts (gnomAD); In silico analysis supports that this missense variant has a deleterious effect on protein structure/function; Has not been previously published as pathogenic or benign to our knowledge

NM_080680.3(COL11A2):c.4921C>T (p.Arg1641Trp)

Gene: COL11A2 (collagen type XI alpha 2 chain; minus strand). Cytogenetic location: 6p21.32.
Variant type: single nucleotide variant.
Coding change: c.4921C>T on transcript NM_080680.3 (MANE Select); coding-DNA position 4921, C replaced by T.
Protein change: p.Arg1641Trp; replaces arginine 1641 with tryptophan.
Molecular consequence: missense variant.
Genome position (GRCh38, 1-based): chr6:33,164,416, G>A on the plus strand (C>T on the coding strand, the complement: COL11A2 is on the minus strand). VCF-style: chr6-33164416-G-A. GRCh37 (hg19) VCF-style: chr6-33132193-G-A.
Other names: c.4921C>T (NM_080680.2); c.4600C>T, p.Arg1534Trp (NM_080679.3); c.4663C>T, p.Arg1555Trp (NM_080681.3); short protein forms R1555W, R1534W, R1641W.
Identifiers: ClinVar variation 1386535 (VCV001386535.7), dbSNP rs2150511088, ClinGen allele CA363616412.
Genomic context (GRCh38, chr6:33,164,416, plus strand): 5'-CACGGGCTGCTCCAGAGCAGGGGTAGGAGACGTCCTGGTGGGCTGAGACGCTGAGCAGCC[G>A]CAGGAAGGTGAGCTGGACCACACCCACTGGGGAGCCCTCTGAGTCCACGTAAGAGAACTG-3'
Protein context (NP_542411.2, residues 1631-1651): PVGVVQLTFL[Arg1641Trp]LLSVSAHQDV